The following is an entry in ClinVar:

NM_001282531.3(ADNP):c.1994T>G (p.Ile665Ser)

Gene: ADNP (activity dependent neuroprotector homeobox; minus strand). Cytogenetic location: 20q13.13.
Variant type: single nucleotide variant.
Coding change: c.1994T>G on transcript NM_001282531.3 (MANE Select); coding-DNA position 1994, T replaced by G.
Protein change: p.Ile665Ser; replaces isoleucine 665 with serine.
Molecular consequence: missense variant.
Genome position (GRCh38, 1-based): chr20:50,892,720, A>C on the plus strand (T>G on the coding strand, the complement: ADNP is on the minus strand). VCF-style: chr20-50892720-A-C. GRCh37 (hg19) VCF-style: chr20-49509257-A-C.
Other names: c.1994T>G, p.Ile665Ser (NM_001282532.2, NM_001347511.2, NM_015339.5 and 1 more transcripts); c.2210T>G, p.Ile737Ser (NM_001439000.1); c.1310T>G, p.Ile437Ser (NM_001439001.1); short protein forms I437S, I665S, I737S.
Identifiers: ClinVar variation 4868055 (VCV004868055.1).

ClinVar aggregate classification (germline): Uncertain significance (1 of 4 stars; one submission).

Conditions:
Inborn genetic diseases. Identifiers: MedGen C0950123, MeSH D030342.

Submission:

Ambry Genetics
Classification: Uncertain significance for Inborn genetic diseases. Last evaluated: 2026-06-05. Review status: criteria provided, single submitter. Criteria: Ambry Variant Classification Scheme 2023. Collection method: clinical testing. Allele origin: germline.
Comment: The c.1994T>G (p.I665S) alteration is located in exon 5 (coding exon 3) of the ADNP gene. This alteration results from a T to G substitution at nucleotide position 1994, causing the isoleucine (I) at amino acid position 665 to be replaced by a serine (S). This variant was not reported in population-based cohorts in the Genome Aggregation Database (gnomAD). This amino acid position is highly conserved in available vertebrate species. This missense variant is located in a region that has a low rate of benign missense variation (Lek, 2016; Firth, 2009). This alteration is predicted to be deleterious by in silico analysis. Based on insufficient or conflicting evidence, the clinical significance of this alteration remains unclear.